The following is an entry in ClinVar:

NM_003835.4(RGS9):c.1699C>T (p.Arg567Cys)

Gene: RGS9 (regulator of G protein signaling 9; plus strand). Cytogenetic location: 17q24.1.
Variant type: single nucleotide variant.
Coding change: c.1699C>T on transcript NM_003835.4 (MANE Select); coding-DNA position 1699, C replaced by T.
Protein change: p.Arg567Cys; replaces arginine 567 with cysteine.
Molecular consequence: missense variant.
Genome position (GRCh38, 1-based): chr17:65,225,293, C>T. VCF-style: chr17-65225293-C-T. GRCh37 (hg19) VCF-style: chr17-63221411-C-T.
Other names: c.1690C>T, p.Arg564Cys (NM_001081955.3); short protein forms R564C, R567C.
Identifiers: ClinVar variation 839281 (VCV000839281.7), dbSNP rs775434651, ClinGen allele CA8718125.

ClinVar aggregate classification (germline): Conflicting classifications of pathogenicity. Review status: criteria provided, conflicting classifications (1 of 4 stars). 3 submissions from 3 submitters: Uncertain significance (2); Likely benign (1). Last evaluated 2024-08-14.

Conditions:
Inborn genetic diseases. Identifiers: MedGen C0950123, MeSH D030342.

Allele frequency attached by ClinVar (database versions not stated): gnomAD 0.00003; TOPMed 0.00010; gnomAD exomes 0.00013; ExAC 0.00014; 1000 Genomes Project 30x 0.00016.
gnomAD v4.1: 49 of 1,608,772 alleles (0.003%); highest among the groups gnomAD compares: Admixed American, 0.053%; no homozygotes.

Submissions (3):

Ambry Genetics
Classification: Uncertain significance for Inborn genetic diseases. Last evaluated: 2024-08-14. Review status: criteria provided, single submitter. Criteria: Ambry Variant Classification Scheme 2023. Collection method: clinical testing. Allele origin: germline.

Blueprint Genetics
Classification: Likely benign. Last evaluated: 2024-01-11. Review status: criteria provided, single submitter. Criteria: ACMG Guidelines, 2015. Collection method: clinical testing. Allele origin: germline.

Labcorp Genetics (formerly Invitae), Labcorp
Classification: Uncertain significance. Last evaluated: 2022-11-01. Review status: criteria provided, single submitter. Criteria: Invitae Variant Classification Sherloc (09022015). Collection method: clinical testing. Allele origin: germline.
Comment: This sequence change replaces arginine, which is basic and polar, with cysteine, which is neutral and slightly polar, at codon 567 of the RGS9 protein (p.Arg567Cys). This variant is present in population databases (rs775434651, gnomAD 0.08%). This variant has not been reported in the literature in individuals affected with RGS9-related conditions. ClinVar contains an entry for this variant (Variation ID: 839281). Algorithms developed to predict the effect of missense changes on protein structure and function output the following: SIFT: "Tolerated"; PolyPhen-2: "Benign"; Align-GVGD: "Class C0". The cysteine amino acid residue is found in multiple mammalian species, which suggests that this missense change does not adversely affect protein function. In summary, the available evidence is currently insufficient to determine the role of this variant in disease. Therefore, it has been classified as a Variant of Uncertain Significance.